The following is an entry in ClinVar:

ClinVar aggregate classification (germline): Pathogenic (1 of 4 stars; one submission).

Submission:

Labcorp Genetics (formerly Invitae), Labcorp
Classification: Pathogenic. Last evaluated: 2022-08-19. Review status: criteria provided, single submitter. Criteria: Invitae Variant Classification Sherloc (09022015). Collection method: clinical testing. Allele origin: germline.
Comment: This variant is a gross deletion of the genomic region encompassing exon(s) 9 of the IFT81 gene. This deletion is out-of-frame, and is expected to create a premature termination codon and result in an absent or disrupted protein product. Loss-of-function variants in IFT81 are known to be pathogenic (PMID: 26275418, 27666822). This variant has not been reported in the literature in individuals affected with IFT81-related conditions. For these reasons, this variant has been classified as Pathogenic.

Literature cited by the submitters: PubMed 26275418; PubMed 27666822.

NC_000012.11:g.(?_110581167)_(110581370_?)del

Gene: IFT81 (intraflagellar transport 81; plus strand). Cytogenetic location: 12q24.11.
Variant type: Deletion.
Identifiers: ClinVar variation 2425889 (VCV002425889.4).